The following is an entry in ClinVar:

ClinVar aggregate classification (germline): Uncertain significance. Review status: criteria provided, multiple submitters, no conflicts (2 of 4 stars). 4 submissions from 4 submitters: Uncertain significance (4). Last evaluated 2024-05-14.

Conditions:
Inborn genetic diseases. Identifiers: MedGen C0950123, MeSH D030342.
H syndrome. Also called: Pigmented hypertrichosis and insulin-dependent diabetes mellitus; Asrar Facharzt Haque syndrome; FAISALABAD HISTIOCYTOSIS; Histiocytosis with joint contractures and sensorineural deafness; HISTIOCYTOSIS AND LYMPHADENOPATHY WITH OR WITHOUT CUTANEOUS, CARDIAC, AND/OR ENDOCRINE FEATURES, JOINT CONTRACTURES, AND/OR DEAFNESS; HYPERPIGMENTATION, CUTANEOUS, WITH HYPERTRICHOSIS, HEPATOSPLENOMEGALY, HEART ANOMALIES, AND HYPOGONADISM WITH OR WITHOUT HEARING LOSS. Identifiers: Orphanet 168569, MedGen C1864445, MONDO:0011273, OMIM 602782.

Allele frequency attached by ClinVar (database versions not stated): TOPMed 0.00003.

Submissions (4):

Ambry Genetics
Classification: Uncertain significance for Inborn genetic diseases. Last evaluated: 2024-05-14. Review status: criteria provided, single submitter. Criteria: Ambry Variant Classification Scheme 2023. Collection method: clinical testing. Allele origin: germline.

Blueprint Genetics
Classification: Uncertain significance. Last evaluated: 2023-05-31. Review status: criteria provided, single submitter. Criteria: ACMG Guidelines, 2015. Collection method: clinical testing. Allele origin: germline.

Labcorp Genetics (formerly Invitae), Labcorp
Classification: Uncertain significance for H syndrome. Last evaluated: 2022-08-23. Review status: criteria provided, single submitter. Criteria: Invitae Variant Classification Sherloc (09022015). Collection method: clinical testing. Allele origin: germline.
Comment: This sequence change replaces valine, which is neutral and non-polar, with methionine, which is neutral and non-polar, at codon 383 of the SLC29A3 protein (p.Val383Met). This variant is present in population databases (rs200001297, gnomAD 0.06%). This variant has not been reported in the literature in individuals affected with SLC29A3-related conditions. ClinVar contains an entry for this variant (Variation ID: 468350). Algorithms developed to predict the effect of missense changes on protein structure and function are either unavailable or do not agree on the potential impact of this missense change (SIFT: "Deleterious"; PolyPhen-2: "Probably Damaging"; Align-GVGD: "Class C0"). In summary, the available evidence is currently insufficient to determine the role of this variant in disease. Therefore, it has been classified as a Variant of Uncertain Significance.

Breakthrough Genomics
Classification: Uncertain significance. Review status: criteria provided, single submitter. Criteria: ACMG Guidelines, 2015. Collection method: not provided. Allele origin: germline. Inheritance: Autosomal recessive inheritance. Affected: yes.

NM_018344.6(SLC29A3):c.1147G>A (p.Val383Met)

Gene: SLC29A3 (solute carrier family 29 member 3; plus strand). Cytogenetic location: 10q22.1.
Variant type: single nucleotide variant.
Coding change: c.1147G>A on transcript NM_018344.6 (MANE Select); coding-DNA position 1147, G replaced by A.
Protein change: p.Val383Met; replaces valine 383 with methionine.
Molecular consequence: missense variant. On other transcripts: 3 prime UTR variant (1), non-coding transcript variant (2).
Genome position (GRCh38, 1-based): chr10:71,362,327, G>A. VCF-style: chr10-71362327-G-A. GRCh37 (hg19) VCF-style: chr10-73122084-G-A.
Other names: c.*376G>A (NM_001174098.2); c.913G>A, p.Val305Met (NM_001363518.2); short protein forms V383M, V305M.
Identifiers: ClinVar variation 468350 (VCV000468350.7), dbSNP rs200001297, ClinGen allele CA5543129.